The following is an entry in ClinVar:

NM_001291303.3(FAT4):c.11706T>A (p.Asp3902Glu)

Gene: FAT4 (FAT atypical cadherin 4; plus strand). Cytogenetic location: 4q28.1.
Variant type: single nucleotide variant.
Coding change: c.11706T>A on transcript NM_001291303.3 (MANE Select); coding-DNA position 11706, T replaced by A.
Protein change: p.Asp3902Glu; replaces aspartic acid 3902 with glutamic acid.
Molecular consequence: missense variant.
Genome position (GRCh38, 1-based): chr4:125,452,716, T>A. VCF-style: chr4-125452716-T-A. GRCh37 (hg19) VCF-style: chr4-126373871-T-A.
Other names: c.11706T>A, p.Asp3902Glu (NM_001291285.3); c.11700T>A, p.Asp3900Glu (NM_024582.6); short protein forms D3902E, D3900E.
Identifiers: ClinVar variation 1500958 (VCV001500958.8), dbSNP rs774612831, ClinGen allele CA3073898.

ClinVar aggregate classification (germline): Uncertain significance (1 of 4 stars; one submission).

Allele frequency attached by ClinVar (database versions not stated): gnomAD exomes below 0.00001; ExAC 0.00001; gnomAD 0.00001.
gnomAD v4.1: 4 of 1,614,142 alleles (0.00025%); highest among the groups gnomAD compares: Middle Eastern, 0.016%; no homozygotes.

Submission:

Labcorp Genetics (formerly Invitae), Labcorp
Classification: Uncertain significance. Last evaluated: 2021-04-25. Review status: criteria provided, single submitter. Criteria: Invitae Variant Classification Sherloc (09022015). Collection method: clinical testing. Allele origin: germline.
Comment: In summary, the available evidence is currently insufficient to determine the role of this variant in disease. Therefore, it has been classified as a Variant of Uncertain Significance. Advanced modeling of protein sequence and biophysical properties (such as structural, functional, and spatial information, amino acid conservation, physicochemical variation, residue mobility, and thermodynamic stability) performed at Invitae indicates that this missense variant is not expected to disrupt FAT4 protein function. This variant has not been reported in the literature in individuals with FAT4-related conditions. This variant is present in population databases (rs774612831, ExAC 0.002%). This sequence change replaces aspartic acid with glutamic acid at codon 3900 of the FAT4 protein (p.Asp3900Glu). The aspartic acid residue is highly conserved and there is a small physicochemical difference between aspartic acid and glutamic acid.